The following is an entry in ClinVar:

NM_133497.4(KCNV2):c.21G>A (p.Arg7=)

Gene: KCNV2 (potassium voltage-gated channel modifier subfamily V member 2; plus strand). Cytogenetic location: 9p24.2.
Variant type: single nucleotide variant.
Coding change: c.21G>A on transcript NM_133497.4 (MANE Select); coding-DNA position 21, G replaced by A.
Protein change: p.Arg7=; no amino-acid change (arginine 7 retained).
Molecular consequence: synonymous variant.
Genome position (GRCh38, 1-based): chr9:2,717,760, G>A. VCF-style: chr9-2717760-G-A. GRCh37 (hg19) VCF-style: chr9-2717760-G-A.
Identifiers: ClinVar variation 4983948 (VCV004983948.1).

ClinVar aggregate classification (germline): Likely benign (1 of 4 stars; one submission).

Conditions:
KCNV2-related disorder. Also called: KCNV2-related condition.

Submission:

PreventionGenetics, part of Exact Sciences
Classification: Likely benign for KCNV2-related condition. Last evaluated: 2025-06-11. Review status: criteria provided, single submitter. Criteria: ACMG Guidelines, 2015. Collection method: clinical testing. Allele origin: germline.
Comment: This variant is classified as likely benign based on ACMG/AMP sequence variant interpretation guidelines (Richards et al. 2015 PMID: 25741868, with internal and published modifications).